The following is an entry in ClinVar:

ClinVar aggregate classification (germline): Uncertain significance (1 of 4 stars; one submission).

gnomAD v4.1: 6 of 1,613,866 alleles (0.00037%); highest among the groups gnomAD compares: Non-Finnish European, 0.00051%; no homozygotes.

Submission:

Women's Health and Genetics/Laboratory Corporation of America, LabCorp
Classification: Uncertain significance. Last evaluated: 2025-07-08. Review status: criteria provided, single submitter. Criteria: LabCorp Variant Classification Summary - May 2015. Collection method: clinical testing. Allele origin: germline.
Comment: Variant summary: MOCS2 c.493T>C (p.Trp165Arg) results in a non-conservative amino acid change in the encoded protein sequence. This variant in MOCS2B (NM_004531) corresponds to [c.dot (p.dot)] in MOCS2A (NM_176806). Algorithms developed to predict the effect of missense changes on protein structure and function all suggest that this variant is likely to be disruptive. The variant allele was found at a frequency of 4e-06 in 251232 control chromosomes. c.493T>C has been observed in compound heterozygous individuals affected with Molybdenum Cofactor Deficiency (Lee_2016, Moreno-De-Luca_2021). These data indicate that the variant may be associated with disease. To our knowledge, no experimental evidence demonstrating an impact on protein function has been reported. The following publications have been ascertained in the context of this evaluation (PMID: 33502714, 33528536). No submitters have cited clinical-significance assessments for this variant to ClinVar. Based on the evidence outlined above, the variant was classified as VUS-possibly pathogenic.

Literature cited by the submitters: PubMed 33528536; PubMed 33502714.

NM_004531.5(MOCS2):c.493T>C (p.Trp165Arg)

Gene: MOCS2 (molybdenum cofactor synthesis 2; minus strand). Cytogenetic location: 5q11.2.
Variant type: single nucleotide variant.
Coding change: c.493T>C on transcript NM_004531.5 (MANE Select); coding-DNA position 493, T replaced by C.
Protein change: p.Trp165Arg; replaces tryptophan 165 with arginine.
Molecular consequence: missense variant. On other transcripts: 3 prime UTR variant (1).
Genome position (GRCh38, 1-based): chr5:53,100,419, A>G on the plus strand (T>C on the coding strand, the complement: MOCS2 is on the minus strand). VCF-style: chr5-53100419-A-G. GRCh37 (hg19) VCF-style: chr5-52396249-A-G.
Other names: c.*413T>C (NM_176806.4); short protein forms W165R.
Identifiers: ClinVar variation 4526081 (VCV004526081.1).